The following is an entry in ClinVar:

ClinVar aggregate classification (germline): Likely pathogenic (1 of 4 stars; one submission).

Conditions:
Alkuraya-Kucinskas syndrome. Identifiers: Orphanet 610569, MedGen C4693347, MONDO:0060631, OMIM 617822.

Submission:

Solve-RD Consortium
Classification: Likely pathogenic for Alkuraya-Kucinskas syndrome. Review status: criteria provided, single submitter. Criteria: ACMG Guidelines, 2015. Collection method: provider interpretation. Allele origin: germline. Inheritance: Autosomal recessive inheritance. Affected: yes. Study: Solve-RD DIFT-EpiCARE reanalysis.
Comment: PVS1, PM2

Variant identified during reanalysis of unsolved cases by the Solve-RD project. The Solve-RD project has received funding from the European Union’s Horizon 2020 research and innovation programme under grant agreement No 779257.

NM_001384125.1(BLTP1):c.12853C>T (p.Arg4285Ter)

Gene: BLTP1 (bridge-like lipid transfer protein family member 1; plus strand). Cytogenetic location: 4q27.
Variant type: single nucleotide variant.
Coding change: c.12853C>T on transcript NM_001384125.1 (MANE Select); coding-DNA position 12853, C replaced by T.
Protein change: p.Arg4285Ter; replaces arginine 4285 with a stop codon.
Molecular consequence: nonsense.
Genome position (GRCh38, 1-based): chr4:122,344,417, C>T. VCF-style: chr4-122344417-C-T. GRCh37 (hg19) VCF-style: chr4-123265572-C-T.
Other names: c.12589C>T, p.Arg4197Ter (NM_015312.4); short protein forms R4197*, R4285*.
Identifiers: ClinVar variation 4890784 (VCV004890784.1).
Genomic context (GRCh38, chr4:122,344,417, plus strand): 5'-TTGTGTTTGTTTGTTTGTTTTAAAGGGAATGTGGATGAGGAGCCCACTTCAGTCACTGGT[C>T]GAAAAGATTCACTCAGTATAAACCTTGAGTTTGTAAAAGTGAGTTTGTCACGGATCAGGC-3'